The following is an entry in ClinVar:

NM_006662.3(SRCAP):c.55-7_55-3inv

Gene: SRCAP (Snf2 related CREBBP activator protein; plus strand). Cytogenetic location: 16p11.2.
Variant type: Inversion.
Coding change: c.55-7_55-3inv on transcript NM_006662.3 (MANE Select).
Molecular consequence: intron variant.
Genome position: GRCh38 VCF-style: chr16-30704057-TTTCT-AGAAA. GRCh37 (hg19) VCF-style: chr16-30715378-TTTCT-AGAAA.
Identifiers: ClinVar variation 5017387 (VCV005017387.1).

ClinVar aggregate classification (germline): Uncertain significance (1 of 4 stars; one submission).

Submission:

GeneDx
Classification: Uncertain significance. Last evaluated: 2026-03-25. Review status: criteria provided, single submitter. Criteria: GeneDx Variant Classification Process June 2021. Collection method: clinical testing. Allele origin: germline.
Comment: Not observed at significant frequency in large population cohorts (gnomAD); In silico analysis supports a deleterious effect on splicing; Has not been previously published as pathogenic or benign to our knowledge